The following is an entry in ClinVar:

NM_002968.3(SALL1):c.3269A>G (p.Asn1090Ser)

Gene: SALL1 (spalt like transcription factor 1; minus strand). Cytogenetic location: 16q12.1.
Variant type: single nucleotide variant.
Coding change: c.3269A>G on transcript NM_002968.3 (MANE Select); coding-DNA position 3269, A replaced by G.
Protein change: p.Asn1090Ser; replaces asparagine 1090 with serine.
Molecular consequence: missense variant.
Genome position (GRCh38, 1-based): chr16:51,138,953, T>C on the plus strand (A>G on the coding strand, the complement: SALL1 is on the minus strand). VCF-style: chr16-51138953-T-C. GRCh37 (hg19) VCF-style: chr16-51172864-T-C.
Other names: c.2978A>G, p.Asn993Ser (NM_001127892.2); short protein forms N1090S, N993S.
Identifiers: ClinVar variation 5000185 (VCV005000185.1).

ClinVar aggregate classification (germline): Uncertain significance (1 of 4 stars; one submission).

Conditions:
SALL1-related disorder. Also called: SALL1-related condition.

gnomAD v4.1: 10 of 1,614,044 alleles (0.00062%); highest among the groups gnomAD compares: East Asian, 0.016%; no homozygotes.

Submission:

PreventionGenetics, part of Exact Sciences
Classification: Uncertain significance for SALL1-related condition. Last evaluated: 2026-07-23. Review status: criteria provided, single submitter. Criteria: ACMG Guidelines, 2015. Collection method: clinical testing. Allele origin: germline.
Comment: The SALL1 c.3269A>G variant is predicted to result in the amino acid substitution p.Asn1090Ser. This variant has been reported in an individual with imperforate anus, scrotum and penis dislocation, epispadias, bladder ectropion and neurogenic bladder (reported as p.Asn993Ser, Table S1, Liu et al. 2022. PubMed ID: 36549658). This variant was also reported as a de novo occurrence in an individual in a rare disease cohort, however no clinical information was provided (Table S7, Stranneheim et al. 2021. PubMed ID: 33726816). This variant is reported in 0.011% of alleles in individuals of East Asian descent in gnomAD. At this time, the clinical significance of this variant is uncertain due to the absence of conclusive functional and genetic evidence.